The following is an entry in ClinVar:

ClinVar aggregate classification (germline): Uncertain significance. Review status: criteria provided, multiple submitters, no conflicts (2 of 4 stars). 3 submissions from 3 submitters: Uncertain significance (3). Last evaluated 2025-08-06.

Conditions:
Cleidocranial dysostosis (CLCD1). Also called: Marie-Sainton disease; cleidocranial dysplasia 1; Cleidocranial Dysplasia Spectrum Disorder. Identifiers: Orphanet 1452, MedGen C0008928, MONDO:0007340, OMIM 119600.

Allele frequency attached by ClinVar (database versions not stated): gnomAD exomes below 0.00001; gnomAD 0.00001; TOPMed 0.00001.
gnomAD v4.1: 6 of 1,614,006 alleles (0.00037%); highest among the groups gnomAD compares: South Asian, 0.0011%; no homozygotes.

Submissions (3):

Labcorp Genetics (formerly Invitae), Labcorp
Classification: Uncertain significance. Last evaluated: 2025-08-06. Review status: criteria provided, single submitter. Criteria: Invitae Variant Classification Sherloc (09022015). Collection method: clinical testing. Allele origin: germline.
Comment: This sequence change replaces aspartic acid, which is acidic and polar, with asparagine, which is neutral and polar, at codon 161 of the RUNX2 protein (p.Asp161Asn). This variant is not present in population databases (gnomAD no frequency). This variant has not been reported in the literature in individuals affected with RUNX2-related conditions. ClinVar contains an entry for this variant (Variation ID: 911155). Invitae Evidence Modeling of protein sequence and biophysical properties (such as structural, functional, and spatial information, amino acid conservation, physicochemical variation, residue mobility, and thermodynamic stability) indicates that this missense variant is expected to disrupt RUNX2 protein function with a positive predictive value of 80%. In summary, the available evidence is currently insufficient to determine the role of this variant in disease. Therefore, it has been classified as a Variant of Uncertain Significance.

Revvity Omics, Revvity
Classification: Uncertain significance. Last evaluated: 2025-04-07. Review status: criteria provided, single submitter. Criteria: ACMG Guidelines, 2015. Collection method: clinical testing. Allele origin: germline.

Illumina Laboratory Services, Illumina
Classification: Uncertain significance for Cleidocranial dysostosis. Last evaluated: 2017-04-28. Review status: criteria provided, single submitter. Criteria: ICSL Variant Classification Criteria 13 December 2019. Collection method: clinical testing. Allele origin: germline.
Comment: This variant was observed as part of a predisposition screen in an ostensibly healthy population. A literature search was performed for the gene, cDNA change, and amino acid change (where applicable). Publications were found based on this search. However, the evidence from the literature, in combination with allele frequency data from public databases where available, was not sufficient to rule this variant in or out of causing disease. Therefore, this variant is classified as a variant of unknown significance.

Literature cited by the submitters: PubMed 10521292 (cited by Illumina Laboratory Services, Illumina).

NM_001024630.4(RUNX2):c.481G>A (p.Asp161Asn)

Gene: RUNX2 (RUNX family transcription factor 2; plus strand). Cytogenetic location: 6p21.1.
Variant type: single nucleotide variant.
Coding change: c.481G>A on transcript NM_001024630.4 (MANE Select); coding-DNA position 481, G replaced by A.
Protein change: p.Asp161Asn; replaces aspartic acid 161 with asparagine.
Molecular consequence: missense variant.
Genome position (GRCh38, 1-based): chr6:45,431,920, G>A. VCF-style: chr6-45431920-G-A. GRCh37 (hg19) VCF-style: chr6-45399657-G-A.
Other names: c.481G>A, p.Asp161Asn (NM_001015051.4); c.439G>A, p.Asp147Asn (NM_001278478.2, NM_001369405.1); short protein forms D147N, D161N.
Identifiers: ClinVar variation 911155 (VCV000911155.12), dbSNP rs1477047335, ClinGen allele CA363960004.
Genomic context (GRCh38, chr6:45,431,920, plus strand): 5'-TAGGTGGTAGCCCTCGGAGAGGTACCAGATGGGACTGTGGTTACTGTCATGGCGGGTAAC[G>A]ATGAAAATTATTCTGCTGAGCTCCGGAATGCCTCTGCTGTTATGAAAAACCAAGTAGCAA-3'
Protein context (NP_001019801.3, residues 151-171): GTVVTVMAGN[Asp161Asn]ENYSAELRNA